The following is an entry in ClinVar:

ClinVar aggregate classification (germline): Uncertain significance (1 of 4 stars; one submission).

Conditions:
Inborn genetic diseases. Identifiers: MedGen C0950123, MeSH D030342.

Submission:

Ambry Genetics
Classification: Uncertain significance for Inborn genetic diseases. Last evaluated: 2020-11-30. Review status: criteria provided, single submitter. Criteria: Ambry Variant Classification Scheme 2023. Collection method: clinical testing. Allele origin: germline.
Comment: The p.R802L variant (also known as c.2405G>T), located in coding exon 22 of the MORC2 gene, results from a G to T substitution at nucleotide position 2405. The arginine at codon 802 is replaced by leucine, an amino acid with dissimilar properties. This amino acid position is highly conserved in available vertebrate species. In addition, the in silico prediction for this alteration is inconclusive. Since supporting evidence is limited at this time, the clinical significance of this alteration remains unclear.

NM_001303256.3(MORC2):c.2405G>T (p.Arg802Leu)

Gene: MORC2 (MORC family CW-type zinc finger 2; minus strand). Cytogenetic location: 22q12.2.
Variant type: single nucleotide variant.
Coding change: c.2405G>T on transcript NM_001303256.3 (MANE Select); coding-DNA position 2405, G replaced by T.
Protein change: p.Arg802Leu; replaces arginine 802 with leucine.
Molecular consequence: missense variant.
Genome position (GRCh38, 1-based): chr22:30,933,006, C>A on the plus strand (G>T on the coding strand, the complement: MORC2 is on the minus strand). VCF-style: chr22-30933006-C-A. GRCh37 (hg19) VCF-style: chr22-31328993-C-A.
Other names: c.2405G>T, p.Arg802Leu (NM_001303257.2); c.2219G>T, p.Arg740Leu (NM_014941.3); short protein forms R802L, R740L.
Identifiers: ClinVar variation 1790789 (VCV001790789.2), dbSNP rs2040598254, ClinGen allele CA411232459.
Genomic context (GRCh38, chr22:30,933,006, plus strand): 5'-ACCACATGCTTGCCCACCTCCACGGCTGTGACACGGCCCGTGTACCACTCCCTGTTCACA[C>A]GCACCTCCACGTGCAGCCCTTTATCTGACAATGTAGACAGAGGTGCGAGTCAGAAAACTA-3'
Protein context (NP_001290185.1, residues 792-812): QKDKGLHVEV[Arg802Leu]VNREWYTGRV